The following is an entry in ClinVar:

ClinVar aggregate classification (germline): Uncertain significance. Review status: criteria provided, multiple submitters, no conflicts (2 of 4 stars). 3 submissions from 3 submitters: Uncertain significance (3). Last evaluated 2025-08-05.

Allele frequency attached by ClinVar (database versions not stated): gnomAD exomes 0.00003; TOPMed 0.00003; gnomAD 0.00004 and 0.00003.
gnomAD v4.1: 43 of 1,606,962 alleles (0.0027%); highest among the groups gnomAD compares: East Asian, 0.0045%; no homozygotes.

Submissions (3):

Dasa
Classification: Uncertain significance. Last evaluated: 2025-08-05. Review status: criteria provided, single submitter. Criteria: DASA Assertion Criteria. Collection method: clinical testing. Allele origin: germline.
Comment: NM_001080449.3(DNA2):c.2825C>T (p.Pro942Leu) is a missense variant that results in the substitution of proline with leucine. This variant is rare in population databases. Computational prediction algorithms are consistent with a deleterious effect. The currently available literature and clinical evidence are not sufficient to establish a definitive association between this variant and the reported condition. Therefore, this variant is classified as a variant of uncertain significance.

Labcorp Genetics (formerly Invitae), Labcorp
Classification: Uncertain significance. Last evaluated: 2025-05-12. Review status: criteria provided, single submitter. Criteria: Invitae Variant Classification Sherloc (09022015). Collection method: clinical testing. Allele origin: germline.
Comment: This sequence change replaces proline, which is neutral and non-polar, with leucine, which is neutral and non-polar, at codon 942 of the DNA2 protein (p.Pro942Leu). The frequency data for this variant in the population databases is considered unreliable, as metrics indicate poor data quality at this position in the gnomAD database. This variant has not been reported in the literature in individuals affected with DNA2-related conditions. ClinVar contains an entry for this variant (Variation ID: 1524882). Invitae Evidence Modeling of protein sequence and biophysical properties (such as structural, functional, and spatial information, amino acid conservation, physicochemical variation, residue mobility, and thermodynamic stability) has been performed for this missense variant. However, the output from this modeling did not meet the statistical confidence thresholds required to predict the impact of this variant on DNA2 protein function. In summary, the available evidence is currently insufficient to determine the role of this variant in disease. Therefore, it has been classified as a Variant of Uncertain Significance.

GeneDx
Classification: Uncertain significance. Last evaluated: 2024-04-23. Review status: criteria provided, single submitter. Criteria: GeneDx Variant Classification Process June 2021. Collection method: clinical testing. Allele origin: germline. Affected: yes.
Comment: In silico analysis supports that this missense variant has a deleterious effect on protein structure/function; Has not been previously published as pathogenic or benign to our knowledge; This variant is associated with the following publications: (PMID: 27535533)

NM_001080449.3(DNA2):c.2825C>T (p.Pro942Leu)

Gene: DNA2 (DNA replication helicase/nuclease 2; minus strand). Cytogenetic location: 10q21.3.
Variant type: single nucleotide variant.
Coding change: c.2825C>T on transcript NM_001080449.3 (MANE Select); coding-DNA position 2825, C replaced by T.
Protein change: p.Pro942Leu; replaces proline 942 with leucine.
Molecular consequence: missense variant. On other transcripts: non-coding transcript variant (1).
Genome position (GRCh38, 1-based): chr10:68,419,176, G>A on the plus strand (C>T on the coding strand, the complement: DNA2 is on the minus strand). VCF-style: chr10-68419176-G-A. GRCh37 (hg19) VCF-style: chr10-70178933-G-A.
Other names: c.2825C>T (NM_001080449.2); short protein forms P942L.
Identifiers: ClinVar variation 1524882 (VCV001524882.9), dbSNP rs868452137, ClinGen allele CA208191915.